The following is an entry in ClinVar:

NM_001042492.3(NF1):c.587-13G>T

Gene: NF1 (neurofibromin 1; plus strand). Cytogenetic location: 17q11.2.
Variant type: single nucleotide variant.
Coding change: c.587-13G>T on transcript NM_001042492.3 (MANE Select); 13 bases into the intron before coding-DNA position 587, G replaced by T.
Molecular consequence: intron variant.
Genome position (GRCh38, 1-based): chr17:31,181,409, G>T. VCF-style: chr17-31181409-G-T. GRCh37 (hg19) VCF-style: chr17-29508427-G-T.
Other names: c.587-13G>T (NM_000267.4, NM_001128147.3).
Identifiers: ClinVar variation 1662754 (VCV001662754.10), dbSNP rs1040272156, ClinGen allele CA289334437.

ClinVar aggregate classification (germline): Likely benign. Review status: criteria provided, multiple submitters, no conflicts (2 of 4 stars). 2 submissions from 2 submitters: Likely benign (2). Last evaluated 2026-05-11.

Conditions:
Neurofibromatosis, type 1 (NF1). Also called: VON RECKLINGHAUSEN DISEASE; NEUROFIBROMATOSIS, TYPE I, SOMATIC; Neurofibromatosis, type I; Peripheral type neurofibromatosis. Identifiers: Orphanet 636, MedGen C0027831, MONDO:0018975, OMIM 162200. Disease mechanism: loss of function.

Allele frequency attached by ClinVar (database versions not stated): TOPMed 0.00003.
gnomAD v4.1: 4 of 1,611,150 alleles (0.00025%); highest among the groups gnomAD compares: African/African-American, 0.0053%; no homozygotes.

Submissions (2):

Myriad Genetics, Inc.
Classification: Likely benign for Neurofibromatosis, type 1. Last evaluated: 2026-05-11. Review status: criteria provided, single submitter. Criteria: Myriad Autosomal Dominant, Autosomal Recessive and X-Linked Classification Criteria (2023). Collection method: clinical testing. Allele origin: unknown.
Comment: This variant is considered likely benign. This variant is intronic and is not expected to impact mRNA splicing.

Labcorp Genetics (formerly Invitae), Labcorp
Classification: Likely benign for Neurofibromatosis, type 1. Last evaluated: 2026-01-19. Review status: criteria provided, single submitter. Criteria: Invitae Variant Classification Sherloc (09022015). Collection method: clinical testing. Allele origin: germline.